The following is an entry in ClinVar:

NM_003072.5(SMARCA4):c.4299G>C (p.Lys1433Asn)

Gene: SMARCA4 (SWI/SNF related BAF chromatin remodeling complex subunit ATPase 4; plus strand). Cytogenetic location: 19p13.2.
Variant type: single nucleotide variant.
Coding change: c.4299G>C on transcript NM_003072.5 (MANE Select); coding-DNA position 4299, G replaced by C.
Protein change: p.Lys1433Asn; replaces lysine 1433 with asparagine.
Molecular consequence: missense variant. On other transcripts: non-coding transcript variant (1).
Genome position (GRCh38, 1-based): chr19:11,041,435, G>C. VCF-style: chr19-11041435-G-C. GRCh37 (hg19) VCF-style: chr19-11152111-G-C.
Other names: c.4299G>C, p.Lys1433Asn (NM_001128844.3); c.4209G>C, p.Lys1403Asn (NM_001128845.2, NM_001128846.2); c.4200G>C, p.Lys1400Asn (NM_001128847.4, NM_001128848.2, NM_001374457.1); c.4395G>C, p.Lys1465Asn (NM_001128849.3, NM_001387283.1); c.4296G>C, p.Lys1432Asn (NM_001411150.1); short protein forms K1403N, K1400N, K1433N, K1432N, K1465N.
Identifiers: ClinVar variation 2452858 (VCV002452858.3), dbSNP rs1600467954, ClinGen allele CA404073675.

ClinVar aggregate classification (germline): Uncertain significance (1 of 4 stars; one submission).

Conditions:
Hereditary cancer-predisposing syndrome. Also called: Neoplastic Syndromes, Hereditary; Tumor predisposition; Hereditary neoplastic syndrome; Hereditary Cancer Syndrome. Identifiers: Orphanet 140162, MedGen C0027672, MeSH D009386, MONDO:0015356.

Allele frequency attached by ClinVar (database versions not stated): gnomAD 0.00001.
gnomAD v4.1: 1 of 1,612,490 alleles (0.000062%); highest among the groups gnomAD compares: African/African-American, 0.0013%; no homozygotes.

Submission:

Ambry Genetics
Classification: Uncertain significance for Hereditary cancer-predisposing syndrome. Last evaluated: 2024-07-25. Review status: criteria provided, single submitter. Criteria: Ambry Variant Classification Scheme 2023. Collection method: clinical testing. Allele origin: germline.
Comment: The p.K1465N variant (also known as c.4395G>C), located in coding exon 30 of the SMARCA4 gene, results from a G to C substitution at nucleotide position 4395. The lysine at codon 1465 is replaced by asparagine, an amino acid with similar properties. This amino acid position is well conserved in available vertebrate species. In addition, this alteration is predicted to be tolerated by in silico analysis. Missense and in-frame variants in SMARCA4 are known to cause neurodevelopmental disorders; however, such associations with rhabdoid tumor predisposition syndrome including small cell carcinoma of the ovary-hypercalcemic type (SCCOHT) are exceedingly rare (Kosho T et al. Am J Med Genet C Semin Med Genet. 2014 Sep;166C(3):262-75; Jelinic P et al. Nat Genet. 2014 May;46(5):424-6). Based on the supporting evidence, the association of this alteration with Coffin-Siris syndrome is unknown; however, the association of this alteration with rhabdoid tumor predisposition syndrome is unlikely.